The following is an entry in ClinVar:

ClinVar aggregate classification (germline): Pathogenic. Review status: criteria provided, multiple submitters, no conflicts (2 of 4 stars). 2 submissions from 2 submitters: Pathogenic (2). Last evaluated 2020-03-18.

Conditions:
DICER1-related tumor predisposition. Also called: DICER1 syndrome; DICER1-related pleuropulmonary blastoma cancer predisposition syndrome. Identifiers: Orphanet 284343, MedGen C3839822, MONDO:0100216.

Submissions (2):

Labcorp Genetics (formerly Invitae), Labcorp
Classification: Pathogenic for DICER1-related tumor predisposition. Last evaluated: 2020-03-18. Review status: criteria provided, single submitter. Criteria: Invitae Variant Classification Sherloc (09022015). Collection method: clinical testing. Allele origin: germline.
Comment: This sequence change creates a premature translational stop signal (p.Ser1468Phefs*21) in the DICER1 gene. It is expected to result in an absent or disrupted protein product. This variant is not present in population databases (ExAC no frequency). This variant has been observed an individual affected with pleuropulmonary blastoma (PMID: 21266384). Loss-of-function variants in DICER1 are known to be pathogenic (PMID: 19556464, 21266384). For these reasons, this variant has been classified as Pathogenic.

Foulkes Cancer Genetics LDI, Lady Davis Institute for Medical Research
Classification: Pathogenic for Pleuropulmonary blastoma. Last evaluated: 2019-07-01. Review status: criteria provided, single submitter. Criteria: ACMG Guidelines, 2015. Collection method: curation. Allele origin: germline. Affected: yes. Observed: 1 variant allele.
Comment: ACMG criteria met: PVS1, PM2, PP4

Literature cited by the submitters: PubMed 21266384 (cited by Labcorp Genetics (formerly Invitae), Labcorp and Foulkes Cancer Genetics LDI, Lady Davis Institute for Medical Research); PubMed 19556464 (cited by Labcorp Genetics (formerly Invitae), Labcorp).

NM_177438.3(DICER1):c.4403_4406del (p.Ser1468fs)

Gene: DICER1 (dicer 1, ribonuclease III; minus strand). Cytogenetic location: 14q32.13.
Variant type: Microsatellite.
Coding change: c.4403_4406del on transcript NM_177438.3 (MANE Select); coding-DNA positions 4403 to 4406, 4 bases deleted (CTCT; older notation c.4403_4406delCTCT).
Protein change: p.Ser1468fs; shifts the reading frame from serine 1468.
Molecular consequence: frameshift variant.
Genome position (GRCh38, 1-based): chr14:95,096,514-95,096,517, AGAG deleted on the plus strand (CTCT on the coding strand, the reverse complement: DICER1 is on the minus strand); deleting any 4 consecutive bases within chr14:95,096,514-95,096,520 gives the same sequence; the c. name uses the placement nearest the transcript's 3' end. VCF-style (leftmost placement, unchanged base first): chr14-95096513-AAGAG-A. GRCh37 (hg19) VCF-style: chr14-95562850-AAGAG-A.
Other names: c.4403_4406del, p.Ser1468fs (NM_001195573.1, NM_030621.4, NM_001271282.3 and 1 more transcripts); c.4403_4406delCTCT (NM_177438.2); short protein forms S1468fs.
Identifiers: ClinVar variation 854090 (VCV000854090.13), dbSNP rs1064795904, ClinGen allele CA916081732.